The following is an entry in ClinVar:

NC_000022.11:g.(?_19931010)_(19941823_?)del

Genes: COMT (catechol-O-methyltransferase; plus strand), TXNRD2 (thioredoxin reductase 2; minus strand), LOC130066960 (ATAC-STARR-seq lymphoblastoid silent region 13467; plus strand). Cytogenetic location: 22q11.21.
Variant type: Deletion.
Identifiers: ClinVar variation 454260 (VCV000454260.1).

ClinVar aggregate classification (germline): Uncertain significance (1 of 4 stars; one submission).

Conditions:
Primary dilated cardiomyopathy (DCM). Also called: Dilated Cardiomyopathy. Identifiers: Orphanet 217604, MedGen C0007193, MeSH D002311, MONDO:0005021, HP:0001644. Inheritance: Various modes of inheritance.

Submission:

Labcorp Genetics (formerly Invitae), Labcorp
Classification: Uncertain significance for Primary dilated cardiomyopathy. Last evaluated: 2017-07-28. Review status: criteria provided, single submitter. Criteria: Invitae Variant Classification Sherloc (09022015). Collection method: clinical testing. Allele origin: germline.
Comment: This variant is a gross deletion of the genomic region encompassing exons 1-2 of the TXNRD2 gene, which includes the initiator codon. The 5' end of this event is unknown as it extends beyond the assayed region for this gene and therefore may encompass additional genes. The 3' boundary is likely confined to intron 2 of the TXNRD2 gene. This is expected to result in an absent or disrupted protein product. This variant has not been reported in the literature in individuals with TXNRD2-related disease. The current clinical and genetic evidence is not sufficient to establish whether loss-of-function variants in TXNRD2 cause disease. In summary, the available evidence is currently insufficient to determine the role of this variant in disease. Therefore, it has been classified as a Variant of Uncertain Significance.